The following is an entry in ClinVar:

ClinVar aggregate classification (germline): Uncertain significance (1 of 4 stars; one submission).

Submission:

Labcorp Genetics (formerly Invitae), Labcorp
Classification: Uncertain significance. Last evaluated: 2022-01-28. Review status: criteria provided, single submitter. Criteria: Invitae Variant Classification Sherloc (09022015). Collection method: clinical testing. Allele origin: germline.
Comment: This sequence change replaces asparagine, which is neutral and polar, with aspartic acid, which is acidic and polar, at codon 1455 of the ASXL1 protein (p.Asn1455Asp). This variant is not present in population databases (gnomAD no frequency). This variant has not been reported in the literature in individuals affected with ASXL1-related conditions. Algorithms developed to predict the effect of missense changes on protein structure and function are either unavailable or do not agree on the potential impact of this missense change (SIFT: "Tolerated"; PolyPhen-2: "Probably Damaging"; Align-GVGD: "Class C0"). In summary, the available evidence is currently insufficient to determine the role of this variant in disease. Therefore, it has been classified as a Variant of Uncertain Significance.

NM_015338.6(ASXL1):c.4363A>G (p.Asn1455Asp)

Gene: ASXL1 (ASXL transcriptional regulator 1; plus strand). Cytogenetic location: 20q11.21.
Variant type: single nucleotide variant.
Coding change: c.4363A>G on transcript NM_015338.6 (MANE Select); coding-DNA position 4363, A replaced by G.
Protein change: p.Asn1455Asp; replaces asparagine 1455 with aspartic acid.
Molecular consequence: missense variant.
Genome position (GRCh38, 1-based): chr20:32,437,075, A>G. VCF-style: chr20-32437075-A-G. GRCh37 (hg19) VCF-style: chr20-31024878-A-G.
Other names: c.4180A>G, p.Asn1394Asp (NM_001363734.1); short protein forms N1455D, N1394D.
Identifiers: ClinVar variation 1930136 (VCV001930136.5), dbSNP rs1300193320, ClinGen allele CA408565004.